The following is an entry in ClinVar:

NM_001378615.1(CC2D2A):c.3497A>T (p.Asp1166Val)

Genes: CC2D2A (coiled-coil and C2 domain containing 2A; plus strand), FBXL5 (F-box and leucine rich repeat protein 5; minus strand). Cytogenetic location: 4p15.32.
Variant type: single nucleotide variant.
Coding change: c.3497A>T on transcript NM_001378615.1 (MANE Select); coding-DNA position 3497, A replaced by T.
Protein change: p.Asp1166Val; replaces aspartic acid 1166 with valine.
Molecular consequence: missense variant.
Genome position (GRCh38, 1-based): chr4:15,570,399, A>T. VCF-style: chr4-15570399-A-T. GRCh37 (hg19) VCF-style: chr4-15572022-A-T.
Other names: c.3497A>T, p.Asp1166Val (NM_001080522.2); c.3350A>T, p.Asp1117Val (NM_001378617.1); short protein forms D1117V, D1166V.
Identifiers: ClinVar variation 2444446 (VCV002444446.5), dbSNP rs749787312, ClinGen allele CA2864188.

ClinVar aggregate classification (germline): Uncertain significance. Review status: criteria provided, multiple submitters, no conflicts (2 of 4 stars). 4 submissions from 4 submitters: Uncertain significance (4). Last evaluated 2025-10-29.

Conditions:
Joubert syndrome 9 (JBTS9). Identifiers: Orphanet 2318, MedGen C2676788, MONDO:0012849, OMIM 612285.
COACH syndrome 2. Identifiers: MedGen C5436837, MONDO:0030859, OMIM 619111.
Meckel syndrome, type 6. Identifiers: Orphanet 564, MedGen C2676790, MONDO:0012848, OMIM 612284.
Retinitis pigmentosa 93. Identifiers: MedGen C5676970, MONDO:0030797, OMIM 619845.
Joubert syndrome and related disorders. Identifiers: Orphanet 140874, MedGen C5679612, MONDO:0015369.
Inborn genetic diseases. Identifiers: MedGen C0950123, MeSH D030342.
Neonatal encephalopathy. Identifiers: MedGen C0235820.

Allele frequency attached by ClinVar (database versions not stated): ExAC 0.00003.
gnomAD v4.1: 6 of 1,587,812 alleles (0.00038%); highest among the groups gnomAD compares: East Asian, 0.011%; no homozygotes.

Submissions (4):

Myriad Genetics, Inc.
Classification: Uncertain significance for Joubert syndrome and related disorders. Last evaluated: 2025-10-29. Review status: criteria provided, single submitter. Criteria: Myriad Autosomal Dominant, Autosomal Recessive and X-Linked Classification Criteria (2023). Collection method: clinical testing. Allele origin: unknown.
Comment: NM_001080522.2(CC2D2A):c.3497A>T(D1166V) is a missense variant classified as a variant of uncertain significance in the context of CC2D2A-related disorders. D1166V has not been observed in cases with relevant disease. Relevant functional assessments of this variant are not available in the literature. D1166V has been observed in referenced population frequency databases. In summary, there is insufficient evidence to classify NM_001080522.2(CC2D2A):c.3497A>T(D1166V) as pathogenic or benign. Please note: this variant was assessed in the context of healthy population screening.

Fulgent Genetics
Classification: Uncertain significance for Meckel syndrome, type 6; Joubert syndrome 9; COACH syndrome 2; Retinitis pigmentosa 93. Last evaluated: 2024-06-04. Review status: criteria provided, single submitter. Criteria: ACMG Guidelines, 2015. Collection method: clinical testing. Allele origin: germline.

Ambry Genetics
Classification: Uncertain significance for Inborn genetic diseases. Last evaluated: 2023-09-14. Review status: criteria provided, single submitter. Criteria: Ambry Variant Classification Scheme 2023. Collection method: clinical testing. Allele origin: germline.

The International Centre for Genetic Engineering and Biotechnology China Regional Research Centre
Classification: Uncertain significance for Neonatal encephalopathy. Last evaluated: 2022-07-01. Review status: criteria provided, single submitter. Criteria: ACMG Guidelines, 2015. Collection method: clinical testing. Allele origin: paternal. Affected: yes. Observed: 1 variant allele.